The following is an entry in ClinVar:

ClinVar aggregate classification (germline): Conflicting classifications of pathogenicity. Review status: criteria provided, conflicting classifications (1 of 4 stars). 3 submissions from 3 submitters: Uncertain significance (1); Likely benign (2). Last evaluated 2026-01-14.

Allele frequency attached by ClinVar (database versions not stated): 1000 Genomes Project below 0.00001; gnomAD exomes 0.00001; ExAC 0.00005; gnomAD 0.00005 and 0.00006; TOPMed 0.00008.
gnomAD v4.1: 24 of 1,588,792 alleles (0.0015%); highest among the groups gnomAD compares: African/African-American, 0.027%; no homozygotes.

Submissions (3):

Labcorp Genetics (formerly Invitae), Labcorp
Classification: Likely benign. Last evaluated: 2026-01-14. Review status: criteria provided, single submitter. Criteria: Invitae Variant Classification Sherloc (09022015). Collection method: clinical testing. Allele origin: germline.

Blueprint Genetics
Classification: Uncertain significance. Last evaluated: 2019-10-09. Review status: criteria provided, single submitter. Criteria: ACMG Guidelines, 2015. Collection method: clinical testing. Allele origin: germline.

Laboratory for Molecular Medicine, Mass General Brigham Personalized Medicine
Classification: Likely benign. Last evaluated: 2013-08-19. Review status: criteria provided, single submitter. Criteria: LMM Criteria. Collection method: clinical testing. Allele origin: germline. Observed: 1 variant allele.
Comment: 1211-4G>A in Exon 15B of USH1C: This variant is not expected to have clinical s ignificance because it is not located within the splice consensus sequence, is n ot predicted to impact splicing, and has been identified in 0.8% (1/122) African American chromosomes by the 1000 Genomes Project (dbSNP rs199972595).

NM_153676.4(USH1C):c.1211-1188G>A

Gene: USH1C (USH1 protein network component harmonin; minus strand). Cytogenetic location: 11p15.1.
Variant type: single nucleotide variant.
Coding change: c.1211-1188G>A on transcript NM_153676.4 (MANE Select); 1188 bases into the intron before coding-DNA position 1211, G replaced by A.
Molecular consequence: intron variant.
Genome position (GRCh38, 1-based): chr11:17,517,478, C>T on the plus strand (G>A on the coding strand, the complement: USH1C is on the minus strand). VCF-style: chr11-17517478-C-T. GRCh37 (hg19) VCF-style: chr11-17539025-C-T.
Other names: c.1154-4G>A (NM_001297764.2); c.1211-4G>A (NM_005709.4).
Identifiers: ClinVar variation 166387 (VCV000166387.14), dbSNP rs199972595, ClinGen allele CA179486.